The following is an entry in ClinVar:

NM_000463.3(UGT1A1):c.1084+4T>C

Genes: UGT1A (UDP glucuronosyltransferase family 1 member A complex locus; plus strand), UGT1A1 (UDP glucuronosyltransferase family 1 member A1; plus strand), UGT1A10 (UDP glucuronosyltransferase family 1 member A10; plus strand), UGT1A3 (UDP glucuronosyltransferase family 1 member A3; plus strand), UGT1A4 (UDP glucuronosyltransferase family 1 member A4; plus strand) and 5 more. Cytogenetic location: 2q37.1.
Variant type: single nucleotide variant.
Coding change: c.1084+4T>C on transcript NM_000463.3 (MANE Select); 4 bases into the intron after coding-DNA position 1084, T replaced by C.
Molecular consequence: intron variant.
Genome position (GRCh38, 1-based): chr2:233,767,940, T>C. VCF-style: chr2-233767940-T-C. GRCh37 (hg19) VCF-style: chr2-234676586-T-C.
Other names: c.1075+4T>C (NM_019076.5, NM_019075.4, NM_021027.3 and 1 more transcripts); c.280+4T>C (NM_205862.3); c.1081+4T>C (NM_001072.4); c.1087+4T>C (NM_019078.2, NM_007120.3, NM_019093.4).
Identifiers: ClinVar variation 2185932 (VCV002185932.4), dbSNP rs1471267179, ClinGen allele CA540311597.
Genomic context (GRCh38, chr2:233,767,940, plus strand): 5'-CGAATCTTGCGAACAACACGATACTTGTTAAGTGGCTACCCCAAAACGATCTGCTTGGTA[T>C]GTTGGGCGGATTGGATGTATAGGTCAAACCAGGGTCAAATTAAGAAAATGGCTTAAGCAC-3'

ClinVar aggregate classification (germline): Uncertain significance (1 of 4 stars; one submission).

Allele frequency attached by ClinVar (database versions not stated): gnomAD exomes below 0.00001.

Submission:

Labcorp Genetics (formerly Invitae), Labcorp
Classification: Uncertain significance. Last evaluated: 2024-11-01. Review status: criteria provided, single submitter. Criteria: Invitae Variant Classification Sherloc (09022015). Collection method: clinical testing. Allele origin: germline.
Comment: This sequence change falls in intron 3 of the UGT1A1 gene. It does not directly change the encoded amino acid sequence of the UGT1A1 protein. It affects a nucleotide within the consensus splice site. This variant is present in population databases (no rsID available, gnomAD 0.007%). This variant has not been reported in the literature in individuals affected with UGT1A1-related conditions. ClinVar contains an entry for this variant (Variation ID: 2185932). Variants that disrupt the consensus splice site are a relatively common cause of aberrant splicing (PMID: 17576681, 9536098). Algorithms developed to predict the effect of sequence changes on RNA splicing suggest that this variant is not likely to affect RNA splicing. In summary, the available evidence is currently insufficient to determine the role of this variant in disease. Therefore, it has been classified as a Variant of Uncertain Significance.

Literature cited by the submitters: PubMed 17576681; PubMed 9536098.